The following is an entry in ClinVar:

ClinVar aggregate classification (germline): Likely benign (1 of 4 stars; one submission).

Allele frequency attached by ClinVar (database versions not stated): 1000 Genomes Project 0.00040; 1000 Genomes Project 30x 0.00047; ExAC 0.00055; gnomAD 0.00099.
gnomAD v4.1: 1,876 of 1,549,056 alleles (0.12%); highest among the groups gnomAD compares: Admixed American, 0.24%; no homozygotes.

Submission:

CeGaT Center for Human Genetics Tuebingen
Classification: Likely benign. Last evaluated: 2024-04-01. Review status: criteria provided, single submitter. Criteria: CeGaT Center For Human Genetics Tuebingen Variant Classification Criteria Version 2. Collection method: clinical testing. Allele origin: germline. Affected: yes. Observed: 1 variant allele.
Comment: PERM1: BP4

NM_001394713.1(PERM1):c.-102G>A

Gene: PERM1 (PPARGC1 and ESRR induced regulator, muscle 1; minus strand). Cytogenetic location: 1p36.33.
Variant type: single nucleotide variant.
Coding change: c.-102G>A on transcript NM_001394713.1 (MANE Select); 102 bases upstream of the start codon, G replaced by A.
Molecular consequence: 5 prime UTR variant. On other transcripts: intron variant (2).
Genome position (GRCh38, 1-based): chr1:981,131, C>T on the plus strand (G>A on the coding strand, the complement: PERM1 is on the minus strand). VCF-style: chr1-981131-C-T. GRCh37 (hg19) VCF-style: chr1-916511-C-T.
Other names: c.-102G>A (NM_001369898.1, NM_001369897.1); c.-18-84G>A (NM_001291366.2); c.30+6G>A (NM_001291367.2).
Identifiers: ClinVar variation 3234236 (VCV003234236.20), dbSNP rs566393302, ClinGen allele CA507307.